The following is an entry in ClinVar:

ClinVar aggregate classification (germline): Pathogenic. Review status: criteria provided, multiple submitters, no conflicts (2 of 4 stars). 4 submissions from 4 submitters: Pathogenic (4). Last evaluated 2023-11-15.

Conditions:
Episodic ataxia type 2 (EA2). Also called: ACETAZOLAMIDE-RESPONSIVE HEREDITARY PAROXYSMAL CEREBELLAR ATAXIA; ATAXIA, EPISODIC, WITH NYSTAGMUS; ATAXIA, FAMILIAL PAROXYSMAL; CEREBELLAR ATAXIA, PAROXYSMAL, ACETAZOLAMIDE-RESPONSIVE; CEREBELLOPATHY, HEREDITARY PAROXYSMAL; EPISODIC ATAXIA, NYSTAGMUS-ASSOCIATED. Identifiers: Orphanet 97, MedGen C1720416, MONDO:0007163, OMIM 108500.
Developmental and epileptic encephalopathy, 42 (DEE42A). Also called: DEVELOPMENTAL AND EPILEPTIC ENCEPHALOPATHY 42A; EPILEPTIC ENCEPHALOPATHY, EARLY INFANTILE, 42A; Epileptic encephalopathy, early infantile, 42. Identifiers: MedGen C4310716, MONDO:0014917, OMIM 617106.
CACNA1A-related disorder. Also called: CACNA1A-related condition.

Submissions (4):

GeneDx
Classification: Pathogenic. Last evaluated: 2023-11-15. Review status: criteria provided, single submitter. Criteria: GeneDx Variant Classification Process June 2021. Collection method: clinical testing. Allele origin: germline. Affected: yes.
Comment: Reported previously in multiple affected family members with slowly progressive cerebellar ataxia, dysarthria, and nystagmus; however functional studies were not performed (PMID: 24486772); Not observed in large population cohorts (gnomAD); In silico analysis, which includes protein predictors and evolutionary conservation, supports a deleterious effect; This variant is associated with the following publications: (PMID: 33163565, 37273706, 24486772)

Labcorp Genetics (formerly Invitae), Labcorp
Classification: Pathogenic for Developmental and epileptic encephalopathy, 42; Episodic ataxia type 2. Last evaluated: 2023-06-15. Review status: criteria provided, single submitter. Criteria: Invitae Variant Classification Sherloc (09022015). Collection method: clinical testing. Allele origin: germline.
Comment: ClinVar contains an entry for this variant (Variation ID: 986871). This sequence change replaces glutamic acid, which is acidic and polar, with lysine, which is basic and polar, at codon 668 of the CACNA1A protein (p.Glu668Lys). This variant is not present in population databases (gnomAD no frequency). This missense change has been observed in individuals with clinical features of CACNA1A-related conditions (PMID: 24486772). It has also been observed to segregate with disease in related individuals. Advanced modeling of protein sequence and biophysical properties (such as structural, functional, and spatial information, amino acid conservation, physicochemical variation, residue mobility, and thermodynamic stability) performed at Invitae indicates that this missense variant is expected to disrupt CACNA1A protein function. For these reasons, this variant has been classified as Pathogenic.

Blueprint Genetics
Classification: Pathogenic for CACNA1A-related disorders. Last evaluated: 2023-01-24. Review status: criteria provided, single submitter. Criteria: ACMG Guidelines, 2015. Collection method: clinical testing. Allele origin: germline. Affected: yes. Observed: 5 variant alleles.

Institute of Medical Genetics and Applied Genomics, University Hospital Tübingen
Classification: Pathogenic. Last evaluated: 2020-10-23. Review status: criteria provided, single submitter. Criteria: ACMG Guidelines, 2015. Collection method: clinical testing. Allele origin: germline. Inheritance: Unknown mechanism. Affected: yes.

Literature cited by the submitters: PubMed 24486772 (cited by Labcorp Genetics (formerly Invitae), Labcorp).

NM_001127222.2(CACNA1A):c.1999G>A (p.Glu667Lys)

Gene: CACNA1A (calcium voltage-gated channel subunit alpha1 A; minus strand). Cytogenetic location: 19p13.13.
Variant type: single nucleotide variant.
Coding change: c.1999G>A on transcript NM_001127222.2 (MANE Select); coding-DNA position 1999, G replaced by A.
Protein change: p.Glu667Lys; replaces glutamic acid 667 with lysine.
Molecular consequence: missense variant.
Genome position (GRCh38, 1-based): chr19:13,303,872, C>T on the plus strand (G>A on the coding strand, the complement: CACNA1A is on the minus strand). VCF-style: chr19-13303872-C-T. GRCh37 (hg19) VCF-style: chr19-13414686-C-T.
Other names: c.2002G>A, p.Glu668Lys (NM_001174080.2, NM_023035.3, NM_000068.4 and 1 more transcripts); short protein forms E667K, E668K.
Identifiers: ClinVar variation 986871 (VCV000986871.15), dbSNP rs2057842904, ClinGen allele CA404344495.